The following is an entry in ClinVar:

ClinVar aggregate classification (germline): Uncertain significance (1 of 4 stars; one submission).

Conditions:
PAX3-related disorder. Also called: PAX3-related condition.

Allele frequency attached by ClinVar (database versions not stated): TOPMed below 0.00001; gnomAD exomes 0.00001.

Submission:

PreventionGenetics, part of Exact Sciences
Classification: Uncertain significance for PAX3-related condition. Last evaluated: 2023-08-23. Review status: criteria provided, single submitter. Criteria: ACMG Guidelines, 2015. Collection method: clinical testing. Allele origin: germline.
Comment: The PAX3 c.793-4A>G variant is predicted to interfere with splicing. This variant is not predicted to substantially affect splicing at the canonical acceptor site (Alamut Visual Plus v1.6.1), although in silico prediction algorithms are not equivalent to functional evidence. This variant was reported in an individual with cleft palate, absent corpus callosum and olfactory bulbs, tracts and sulci in conjunction with a second potentially pathogenic variant, with both variants being reported as de novo without phase information (Brunelli. 2019. PubMed ID: 31192527). This variant has not been reported in a large population database, indicating this variant is rare. At this time, the clinical significance of this variant is uncertain due to the absence of conclusive functional and genetic evidence.

NM_181458.4(PAX3):c.793-4A>G

Gene: PAX3 (paired box 3; minus strand). Cytogenetic location: 2q36.1.
Variant type: single nucleotide variant.
Coding change: c.793-4A>G on transcript NM_181458.4 (MANE Select); 4 bases into the intron before coding-DNA position 793, A replaced by G.
Molecular consequence: intron variant.
Genome position (GRCh38, 1-based): chr2:222,221,391, T>C on the plus strand (A>G on the coding strand, the complement: PAX3 is on the minus strand). VCF-style: chr2-222221391-T-C. GRCh37 (hg19) VCF-style: chr2-223086110-T-C.
Other names: c.790-4A>G (NM_001127366.3); c.793-4A>G (NM_181460.4, NM_181461.4, NM_181459.4 and 1 more transcripts).
Identifiers: ClinVar variation 2630762 (VCV002630762.1), dbSNP rs1692187097, ClinGen allele CA1330511497.